The following is an entry in ClinVar:

NM_001035.3(RYR2):c.11114A>C (p.Asp3705Ala)

Gene: RYR2 (ryanodine receptor 2; plus strand). Cytogenetic location: 1q43.
Variant type: single nucleotide variant.
Coding change: c.11114A>C on transcript NM_001035.3 (MANE Select); coding-DNA position 11114, A replaced by C.
Protein change: p.Asp3705Ala; replaces aspartic acid 3705 with alanine.
Molecular consequence: missense variant.
Genome position (GRCh38, 1-based): chr1:237,742,318, A>C. VCF-style: chr1-237742318-A-C. GRCh37 (hg19) VCF-style: chr1-237905618-A-C.
Other names: short protein forms D3705A.
Identifiers: ClinVar variation 3385838 (VCV003385838.1).

ClinVar aggregate classification (germline): Uncertain significance (1 of 4 stars; one submission).

Conditions:
Catecholaminergic polymorphic ventricular tachycardia (CVPT). Also called: Catecholamine-induced polymorphic ventricular tachycardia. Identifiers: Orphanet 3286, MedGen C5574922, MONDO:0017990.

Submission:

All of Us Research Program, National Institutes of Health
Classification: Uncertain significance for Catecholaminergic polymorphic ventricular tachycardia. Last evaluated: 2024-09-23. Review status: criteria provided, single submitter. Criteria: ACMG Guidelines, 2015. Collection method: clinical testing. Allele origin: germline. Inheritance: Autosomal dominant inheritance. Observed: 1 variant allele, 1 heterozygote.
Comment: This study involves interpretation of variants in research participants for the purpose of population health screening. Participant phenotype was not available at the time of variant classification. Additional details can be found in publication PMID: 35346344, PMCID: PMC8962531